The following is an entry in ClinVar:

NM_182914.3(SYNE2):c.851A>G (p.Tyr284Cys)

Gene: SYNE2 (spectrin repeat containing nuclear envelope protein 2; plus strand). Cytogenetic location: 14q23.2.
Variant type: single nucleotide variant.
Coding change: c.851A>G on transcript NM_182914.3 (MANE Select); coding-DNA position 851, A replaced by G.
Protein change: p.Tyr284Cys; replaces tyrosine 284 with cysteine.
Molecular consequence: missense variant.
Genome position (GRCh38, 1-based): chr14:63,961,588, A>G. VCF-style: chr14-63961588-A-G. GRCh37 (hg19) VCF-style: chr14-64428306-A-G.
Other names: c.851A>G, p.Tyr284Cys (NM_015180.6); short protein forms Y284C.
Identifiers: ClinVar variation 4721325 (VCV004721325.1).

ClinVar aggregate classification (germline): Uncertain significance (1 of 4 stars; one submission).

Conditions:
Emery-Dreifuss muscular dystrophy 5, autosomal dominant (EDMD5). Also called: EMERY-DREIFUSS MUSCULAR DYSTROPHY 5. Identifiers: Orphanet 261, MedGen C2751805, MONDO:0013072, OMIM 612999.

gnomAD v4.1: 1 of 1,614,128 alleles (0.000062%); highest among the groups gnomAD compares: Non-Finnish European, 0.000085%; no homozygotes.

Submission:

Labcorp Genetics (formerly Invitae), Labcorp
Classification: Uncertain significance for Emery-Dreifuss muscular dystrophy 5, autosomal dominant. Last evaluated: 2025-06-12. Review status: criteria provided, single submitter. Criteria: Invitae Variant Classification Sherloc (09022015). Collection method: clinical testing. Allele origin: germline.
Comment: This sequence change replaces tyrosine, which is neutral and polar, with cysteine, which is neutral and slightly polar, at codon 284 of the SYNE2 protein (p.Tyr284Cys). This variant is not present in population databases (gnomAD no frequency). This variant has not been reported in the literature in individuals affected with SYNE2-related conditions. An algorithm developed to predict the effect of missense changes on protein structure and function (PolyPhen-2) suggests that this variant is likely to be disruptive. In summary, the available evidence is currently insufficient to determine the role of this variant in disease. Therefore, it has been classified as a Variant of Uncertain Significance.